The following is an entry in ClinVar:

ClinVar aggregate classification (germline): Uncertain significance (1 of 4 stars; one submission).

Submission:

Labcorp Genetics (formerly Invitae), Labcorp
Classification: Uncertain significance. Last evaluated: 2023-10-11. Review status: criteria provided, single submitter. Criteria: Invitae Variant Classification Sherloc (09022015). Collection method: clinical testing. Allele origin: germline.
Comment: This sequence change falls in intron 27 of the COL4A4 gene. It does not directly change the encoded amino acid sequence of the COL4A4 protein. This variant is not present in population databases (gnomAD no frequency). This variant has not been reported in the literature in individuals affected with COL4A4-related conditions. Algorithms developed to predict the effect of sequence changes on RNA splicing suggest that this variant may create or strengthen a splice site. In summary, the available evidence is currently insufficient to determine the role of this variant in disease. Therefore, it has been classified as a Variant of Uncertain Significance.

NM_000092.5(COL4A4):c.2164+13_2164+14insTTTGT

Gene: COL4A4 (collagen type IV alpha 4 chain; minus strand). Cytogenetic location: 2q36.3.
Variant type: Microsatellite.
Coding change: c.2164+13_2164+14insTTTGT on transcript NM_000092.5 (MANE Select); bases 13 to 14 of the intron after coding-DNA position 2164, TTTGT inserted.
Molecular consequence: intron variant.
Genome position: GRCh38 VCF-style: chr2-227060122-A-AAAAAC. GRCh37 (hg19) VCF-style: chr2-227924838-A-AAAAAC.
Identifiers: ClinVar variation 2994381 (VCV002994381.3), dbSNP rs759637011.
Genomic context (GRCh38, chr2:227,060,122, plus strand): 5'-AGAAATGTTAAAAAGTTCCTGATAGATATTCCCAAAGCAGAAAAAAAAAAAAAAAAAAAA[A>AAAAAC]AAACCTCACTGACCAGGTGGACCTGGTATTTCCGCTGTTCCTGGTGTGCCAGGTCTGCCT-3'